The following is an entry in ClinVar:

NM_025137.4(SPG11):c.5087C>G (p.Ala1696Gly)

Gene: SPG11 (SPG11 vesicle trafficking associated, spatacsin; minus strand). Cytogenetic location: 15q21.1.
Variant type: single nucleotide variant.
Coding change: c.5087C>G on transcript NM_025137.4 (MANE Select); coding-DNA position 5087, C replaced by G.
Protein change: p.Ala1696Gly; replaces alanine 1696 with glycine.
Molecular consequence: missense variant.
Genome position (GRCh38, 1-based): chr15:44,585,670, G>C on the plus strand (C>G on the coding strand, the complement: SPG11 is on the minus strand). VCF-style: chr15-44585670-G-C. GRCh37 (hg19) VCF-style: chr15-44877868-G-C.
Other names: c.5087C>G, p.Ala1696Gly (NM_001160227.2, NM_001411132.1); short protein forms A1696G.
Identifiers: ClinVar variation 2736193 (VCV002736193.3), dbSNP rs2505301156, ClinGen allele CA392223339.
Genomic context (GRCh38, chr15:44,585,670, plus strand): 5'-AAAAAAAAAAAAAAGACCGATGATACCTCTTTAATAACCAAGTTGTCCACAGGTAACTCA[G>C]CTAATTCTGCTACCCTCCTGGCCAAAGCGAATTGTCCATCTGTCTGCAGTCTTTCCAAAA-3'
Protein context (NP_079413.3, residues 1686-1706): FALARRVAEL[Ala1696Gly]ELPVDNLVIK

ClinVar aggregate classification (germline): Likely pathogenic (1 of 4 stars; one submission).

Conditions:
Hereditary spastic paraplegia 11. Also called: Spastic Paraplegia 11; Spastic paraplegia, mental retardation and thin corpus callosum; SPASTIC PARAPLEGIA, AUTOSOMAL RECESSIVE, COMPLICATED, WITH THIN CORPUS CALLOSUM; SPASTIC PARAPLEGIA, AUTOSOMAL RECESSIVE, WITH MENTAL IMPAIRMENT AND THIN CORPUS CALLOSUM; Nakamura Osame syndrome; Autosomal recessive hereditary spastic paraplegia, mental impairment, and thin corpus callosum. Identifiers: Orphanet 2822, MedGen C1858479, MONDO:0011445, OMIM 604360.

Allele frequency attached by ClinVar (database versions not stated): gnomAD exomes below 0.00001.
gnomAD v4.1: 4 of 1,611,292 alleles (0.00025%); highest among the groups gnomAD compares: Non-Finnish European, 0.00034%; no homozygotes.

Submission:

Labcorp Genetics (formerly Invitae), Labcorp
Classification: Likely pathogenic for Hereditary spastic paraplegia 11. Last evaluated: 2022-12-14. Review status: criteria provided, single submitter. Criteria: Invitae Variant Classification Sherloc (09022015). Collection method: clinical testing. Allele origin: germline.
Comment: In summary, the currently available evidence indicates that the variant is pathogenic, but additional data are needed to prove that conclusively. Therefore, this variant has been classified as Likely Pathogenic. Algorithms developed to predict the effect of sequence changes on RNA splicing suggest that this variant may disrupt the consensus splice site. Advanced modeling of protein sequence and biophysical properties (such as structural, functional, and spatial information, amino acid conservation, physicochemical variation, residue mobility, and thermodynamic stability) performed at Invitae indicates that this missense variant is expected to disrupt SPG11 protein function. This missense change has been observed in individual(s) with clinical features of hereditary spastic paraplegia (PMID: 22700954). It has also been observed to segregate with disease in related individuals. This variant is not present in population databases (gnomAD no frequency). This sequence change replaces alanine, which is neutral and non-polar, with glycine, which is neutral and non-polar, at codon 1696 of the SPG11 protein (p.Ala1696Gly).

Literature cited by the submitters: PubMed 22700954.